The following is an entry in ClinVar:

NM_001543.5(NDST1):c.2468G>C (p.Gly823Ala)

Gene: NDST1 (N-deacetylase and N-sulfotransferase 1; plus strand). Cytogenetic location: 5q33.1.
Variant type: single nucleotide variant.
Coding change: c.2468G>C on transcript NM_001543.5 (MANE Select); coding-DNA position 2468, G replaced by C.
Protein change: p.Gly823Ala; replaces glycine 823 with alanine.
Molecular consequence: missense variant.
Genome position (GRCh38, 1-based): chr5:150,551,794, G>C. VCF-style: chr5-150551794-G-C. GRCh37 (hg19) VCF-style: chr5-149931356-G-C.
Other names: c.2297G>C, p.Gly766Ala (NM_001301063.2); short protein forms G823A, G766A.
Identifiers: ClinVar variation 1032751 (VCV001032751.1), dbSNP rs1755738807, ClinGen allele CA361769914.

ClinVar aggregate classification (germline): Uncertain significance (1 of 4 stars; one submission).

Conditions:
Intellectual developmental disorder, autosomal recessive 46. Also called: Intellectual disability, autosomal recessive 46. Identifiers: Orphanet 88616, MedGen C4015283, MONDO:0014499, OMIM 616116.

Submission:

Baylor Genetics
Classification: Uncertain significance for Intellectual developmental disorder, autosomal recessive 46. Last evaluated: 2018-07-25. Review status: criteria provided, single submitter. Criteria: ACMG Guidelines, 2015. Collection method: clinical testing. Allele origin: unknown. Affected: yes.
Comment: This variant was determined to be of uncertain significance according to ACMG Guidelines, 2015 [PMID:25741868].